The following is an entry in ClinVar:

ClinVar aggregate classification (germline): Uncertain significance (1 of 4 stars; one submission).

Conditions:
Familial hemophagocytic lymphohistiocytosis 3 (FHL3). Also called: UNC13D-Related Familial Hemophagocytic Lymphohistiocytosis (UNC13D-fHLH). Identifiers: Orphanet 540, MedGen C1837174, MONDO:0012146, OMIM 608898.

Submission:

Labcorp Genetics (formerly Invitae), Labcorp
Classification: Uncertain significance for Familial hemophagocytic lymphohistiocytosis 3. Last evaluated: 2022-09-06. Review status: criteria provided, single submitter. Criteria: Invitae Variant Classification Sherloc (09022015). Collection method: clinical testing. Allele origin: germline.
Comment: This variant has not been reported in the literature in individuals affected with UNC13D-related conditions. This variant is not present in population databases (gnomAD no frequency). This sequence change falls in intron 5 of the UNC13D gene. It does not directly change the encoded amino acid sequence of the UNC13D protein. It affects a nucleotide within the consensus splice site. Variants that disrupt the consensus splice site are a relatively common cause of aberrant splicing (PMID: 17576681, 9536098). Algorithms developed to predict the effect of sequence changes on RNA splicing suggest that this variant is not likely to affect RNA splicing. In summary, the available evidence is currently insufficient to determine the role of this variant in disease. Therefore, it has been classified as a Variant of Uncertain Significance.

Literature cited by the submitters: PubMed 17576681; PubMed 9536098.

NM_199242.3(UNC13D):c.388+3G>A

Gene: UNC13D (unc-13 homolog D; minus strand). Cytogenetic location: 17q25.1.
Variant type: single nucleotide variant.
Coding change: c.388+3G>A on transcript NM_199242.3 (MANE Select); 3 bases into the intron after coding-DNA position 388, G replaced by A.
Molecular consequence: intron variant.
Genome position (GRCh38, 1-based): chr17:75,842,854, C>T on the plus strand (G>A on the coding strand, the complement: UNC13D is on the minus strand). VCF-style: chr17-75842854-C-T. GRCh37 (hg19) VCF-style: chr17-73838935-C-T.
Identifiers: ClinVar variation 1997779 (VCV001997779.4), dbSNP rs2545987702, ClinGen allele CA2580095179.